The following is an entry in ClinVar:

ClinVar aggregate classification (germline): Uncertain significance (1 of 4 stars; one submission).

Submission:

Ambry Genetics
Classification: Uncertain significance. Last evaluated: 2022-07-22. Review status: criteria provided, single submitter. Criteria: Ambry Variant Classification Scheme 2023. Collection method: clinical testing. Allele origin: germline.
Comment: The c.2846_2851delAAAATA variant (also known as p.K949_N950del) is located in coding exon 1 of the MLH3 gene. This variant results from an in-frame AAAATA deletion at nucleotide positions 2846 to 2851. This results in the in-frame deletion of lysine and asparagine at codons 949 and 950. This amino acid region is poorly conserved in available vertebrate species. In addition, this alteration is predicted to be deleterious by in silico analysis (Choi Y et al. PLoS ONE. 2012; 7(10):e46688). The evidence for this gene-disease relationship is limited; therefore, the clinical significance of this alteration is unclear.

NM_001040108.2(MLH3):c.2846_2851del (p.Lys949_Asn950del)

Gene: MLH3 (mutL homolog 3; minus strand). Cytogenetic location: 14q24.3.
Variant type: Deletion.
Coding change: c.2846_2851del on transcript NM_001040108.2 (MANE Select); coding-DNA positions 2846 to 2851, 6 bases deleted (AAAATA; older notation c.2846_2851delAAAATA).
Protein change: p.Lys949_Asn950del.
Molecular consequence: inframe deletion. On other transcripts: inframe indel (1).
Genome position (GRCh38, 1-based): chr14:75,046,805-75,046,810, TATTTT deleted on the plus strand (AAAATA on the coding strand, the reverse complement: MLH3 is on the minus strand); deleting any 6 consecutive bases within chr14:75,046,805-75,046,814 gives the same sequence; the c. name uses the placement nearest the transcript's 3' end. VCF-style (leftmost placement, unchanged base first): chr14-75046804-CTATTTT-C. GRCh37 (hg19) VCF-style: chr14-75513507-CTATTTT-C.
Other names: c.2846_2851del, p.Lys949_Asn950del (NM_014381.3); c.2846_2851delAAAATA (NM_001040108.1).
Identifiers: ClinVar variation 1796767 (VCV001796767.2), dbSNP rs1892265457, ClinGen allele CA2147317368.